The following is an entry in ClinVar:

NM_002769.5(PRSS1):c.293A>G (p.Gln98Arg)

Genes: TRB (T cell receptor beta locus; plus strand), PRSS1 (serine protease 1; plus strand). Cytogenetic location: 7q34.
Variant type: single nucleotide variant.
Coding change: c.293A>G on transcript NM_002769.5 (MANE Select); coding-DNA position 293, A replaced by G.
Protein change: p.Gln98Arg; replaces glutamine 98 with arginine.
Molecular consequence: missense variant. On other transcripts: non-coding transcript variant (4).
Genome position (GRCh38, 1-based): chr7:142,751,866, A>G. VCF-style: chr7-142751866-A-G. GRCh37 (hg19) VCF-style: chr7-142459717-A-G.
Other names: short protein forms Q98R.
Identifiers: ClinVar variation 3222795 (VCV003222795.2), dbSNP rs1407084355, ClinGen allele CA369608689.

ClinVar aggregate classification (germline): Uncertain significance (1 of 4 stars; one submission).

Conditions:
Hereditary pancreatitis (PCTT). Also called: Hereditary chronic pancreatitis; PRSS1-Related Hereditary Pancreatitis. Identifiers: Orphanet 676, MedGen C0238339, MONDO:0008185, OMIM 167800.

Allele frequency attached by ClinVar (database versions not stated): gnomAD exomes 0.00001.

Submission:

Ambry Genetics
Classification: Uncertain significance for Hereditary pancreatitis. Last evaluated: 2025-09-17. Review status: criteria provided, single submitter. Criteria: Ambry Variant Classification Scheme 2023. Collection method: clinical testing. Allele origin: germline.
Comment: The p.Q98R variant (also known as c.293A>G), located in coding exon 3 of the PRSS1 gene, results from an A to G substitution at nucleotide position 293. The glutamine at codon 98 is replaced by arginine, an amino acid with highly similar properties. This amino acid position is poorly conserved in available vertebrate species. In addition, this alteration is predicted to be tolerated by in silico analysis. Since supporting evidence is limited at this time, the clinical significance of this alteration remains unclear.